The following is an entry in ClinVar:

NM_139318.5(KCNH5):c.2438G>A (p.Arg813Gln)

Gene: KCNH5 (potassium voltage-gated channel subfamily H member 5; minus strand). Cytogenetic location: 14q23.2.
Variant type: single nucleotide variant.
Coding change: c.2438G>A on transcript NM_139318.5 (MANE Select); coding-DNA position 2438, G replaced by A.
Protein change: p.Arg813Gln; replaces arginine 813 with glutamine.
Molecular consequence: missense variant. On other transcripts: 3 prime UTR variant (1).
Genome position (GRCh38, 1-based): chr14:62,708,037, C>T on the plus strand (G>A on the coding strand, the complement: KCNH5 is on the minus strand). VCF-style: chr14-62708037-C-T. GRCh37 (hg19) VCF-style: chr14-63174755-C-T.
Other names: c.*405G>A (NM_172375.3); short protein forms R813Q.
Identifiers: ClinVar variation 530516 (VCV000530516.12), dbSNP rs534607642, ClinGen allele CA7217252.

ClinVar aggregate classification (germline): Uncertain significance (1 of 4 stars; one submission).

Conditions:
Early-infantile DEE. Also called: Ohtahara syndrome; Early infantile epileptic encephalopathy with suppression bursts; Early infantile epileptic encephalopathy. Identifiers: Orphanet 1934, MedGen C0393706, MONDO:0800491.

Allele frequency attached by ClinVar (database versions not stated): gnomAD 0.00003; TOPMed 0.00009; 1000 Genomes Project 30x 0.00031; 1000 Genomes Project 0.00040.
gnomAD v4.1: 40 of 1,614,162 alleles (0.0025%); highest among the groups gnomAD compares: Admixed American, 0.012%; no homozygotes.

Submission:

Labcorp Genetics (formerly Invitae), Labcorp
Classification: Uncertain significance for Early-infantile DEE. Last evaluated: 2025-04-26. Review status: criteria provided, single submitter. Criteria: Invitae Variant Classification Sherloc (09022015). Collection method: clinical testing. Allele origin: germline.
Comment: This sequence change replaces arginine, which is basic and polar, with glutamine, which is neutral and polar, at codon 813 of the KCNH5 protein (p.Arg813Gln). This variant is present in population databases (rs534607642, gnomAD 0.006%). This variant has not been reported in the literature in individuals affected with KCNH5-related conditions. ClinVar contains an entry for this variant (Variation ID: 530516). Invitae Evidence Modeling of protein sequence and biophysical properties (such as structural, functional, and spatial information, amino acid conservation, physicochemical variation, residue mobility, and thermodynamic stability) indicates that this missense variant is not expected to disrupt KCNH5 protein function with a negative predictive value of 95%. In summary, the available evidence is currently insufficient to determine the role of this variant in disease. Therefore, it has been classified as a Variant of Uncertain Significance.